The following is an entry in ClinVar:

ClinVar aggregate classification (germline): Uncertain significance. Review status: criteria provided, multiple submitters, no conflicts (2 of 4 stars). 2 submissions from 2 submitters: Uncertain significance (2). Last evaluated 2026-03-17.

Conditions:
Hereditary cancer-predisposing syndrome. Also called: Neoplastic Syndromes, Hereditary; Tumor predisposition; Hereditary Cancer Syndrome; Hereditary neoplastic syndrome. Identifiers: Orphanet 140162, MedGen C0027672, MeSH D009386, MONDO:0015356.

Allele frequency attached by ClinVar (database versions not stated): TOPMed 0.00003; gnomAD exomes 0.00002; ExAC 0.00003; gnomAD 0.00004.
gnomAD v4.1: 41 of 1,614,024 alleles (0.0025%); highest among the groups gnomAD compares: Admixed American, 0.017%; no homozygotes.

Submissions (2):

Dasa
Classification: Uncertain significance. Last evaluated: 2026-03-17. Review status: criteria provided, single submitter. Criteria: DASA Assertion Criteria. Collection method: clinical testing. Allele origin: germline.
Comment: NM_013372.7(GREM1):c.463A>G (p.Thr155Ala) is a missense variant that results in the substitution of threonine with alanine. This variant is rare in population databases. The currently available literature and clinical evidence are not sufficient to establish a definitive association between this variant and the reported condition. Therefore, this variant is classified as a variant of uncertain significance.

Ambry Genetics
Classification: Uncertain significance for Hereditary cancer-predisposing syndrome. Last evaluated: 2025-06-24. Review status: criteria provided, single submitter. Criteria: Ambry Variant Classification Scheme 2023. Collection method: clinical testing. Allele origin: germline.

NM_013372.7(GREM1):c.463A>G (p.Thr155Ala)

Gene: GREM1 (gremlin 1, DAN family BMP antagonist; plus strand). Cytogenetic location: 15q13.3.
Variant type: single nucleotide variant.
Coding change: c.463A>G on transcript NM_013372.7 (MANE Select); coding-DNA position 463, A replaced by G.
Protein change: p.Thr155Ala; replaces threonine 155 with alanine.
Molecular consequence: missense variant.
Genome position (GRCh38, 1-based): chr15:32,731,153, A>G. VCF-style: chr15-32731153-A-G. GRCh37 (hg19) VCF-style: chr15-33023354-A-G.
Other names: c.253A>G, p.Thr85Ala (NM_001191322.2); c.340A>G, p.Thr114Ala (NM_001191323.2); c.463A>G, p.Thr155Ala (NM_001368719.1); short protein forms T85A, T155A, T114A.
Identifiers: ClinVar variation 1742081 (VCV001742081.5), dbSNP rs199760237, ClinGen allele CA7456169.